The following is an entry in ClinVar:

NM_014855.3(AP5Z1):c.2312G>A (p.Ser771Asn)

Gene: AP5Z1 (adaptor related protein complex 5 subunit zeta 1; plus strand). Cytogenetic location: 7p22.1.
Variant type: single nucleotide variant.
Coding change: c.2312G>A on transcript NM_014855.3 (MANE Select); coding-DNA position 2312, G replaced by A.
Protein change: p.Ser771Asn; replaces serine 771 with asparagine.
Molecular consequence: missense variant. On other transcripts: non-coding transcript variant (1).
Genome position (GRCh38, 1-based): chr7:4,791,273, G>A. VCF-style: chr7-4791273-G-A. GRCh37 (hg19) VCF-style: chr7-4830904-G-A.
Other names: c.1844G>A, p.Ser615Asn (NM_001364858.1); short protein forms S771N, S615N.
Identifiers: ClinVar variation 2196889 (VCV002196889.4), dbSNP rs1314229038, ClinGen allele CA366665931.
Genomic context (GRCh38, chr7:4,791,273, plus strand): 5'-CCACAGAGCTGCTGACCCTGCTGAAGATGCCTAGCGTGGCCCAGTTTGTGCTCACACCCA[G>A]CACGGAGGTGTGCAGCCCCCGCTATCACCGCGATGCCAACACGGCCCTGCCCCTGGCCCT-3'
Protein context (NP_055670.1, residues 761-781): PSVAQFVLTP[Ser771Asn]TEVCSPRYHR

ClinVar aggregate classification (germline): Uncertain significance (1 of 4 stars; one submission).

Conditions:
Hereditary spastic paraplegia 48. Also called: SPASTIC PARAPLEGIA 48, AUTOSOMAL RECESSIVE; Spastic paraplegia 48. Identifiers: Orphanet 306511, MedGen C3150901, MONDO:0013342, OMIM 613647.

Allele frequency attached by ClinVar (database versions not stated): gnomAD 0.00002; TOPMed 0.00003.

Submission:

Labcorp Genetics (formerly Invitae), Labcorp
Classification: Uncertain significance for Hereditary spastic paraplegia 48. Last evaluated: 2022-06-24. Review status: criteria provided, single submitter. Criteria: Invitae Variant Classification Sherloc (09022015). Collection method: clinical testing. Allele origin: germline.
Comment: This sequence change replaces serine, which is neutral and polar, with asparagine, which is neutral and polar, at codon 771 of the AP5Z1 protein (p.Ser771Asn). This variant is not present in population databases (gnomAD no frequency). This variant has not been reported in the literature in individuals affected with AP5Z1-related conditions. Algorithms developed to predict the effect of missense changes on protein structure and function are either unavailable or do not agree on the potential impact of this missense change (SIFT: "Tolerated"; PolyPhen-2: "Possibly Damaging"; Align-GVGD: "Class C0"). In summary, the available evidence is currently insufficient to determine the role of this variant in disease. Therefore, it has been classified as a Variant of Uncertain Significance.